The following is an entry in ClinVar:

ClinVar aggregate classification (germline): Uncertain significance (1 of 4 stars; one submission).

Conditions:
Autoimmune lymphoproliferative syndrome type 1. Also called: AUTOIMMUNE LYMPHOPROLIFERATIVE SYNDROME, TYPE I, AUTOSOMAL DOMINANT. Identifiers: Orphanet 3261, MedGen C2717884, MONDO:0011158, OMIM 601859.

Submission:

Labcorp Genetics (formerly Invitae), Labcorp
Classification: Uncertain significance for Autoimmune lymphoproliferative syndrome. Last evaluated: 2025-05-12. Review status: criteria provided, single submitter. Criteria: Invitae Variant Classification Sherloc (09022015). Collection method: clinical testing. Allele origin: germline.
Comment: This sequence change replaces cysteine, which is neutral and slightly polar, with arginine, which is basic and polar, at codon 104 of the FAS protein (p.Cys104Arg). This variant is not present in population databases (gnomAD no frequency). This missense change has been observed in individual(s) with autoimmune lymphoproliferative syndrome (PMID: 21183795). ClinVar contains an entry for this variant (Variation ID: 2708956). Invitae Evidence Modeling of protein sequence and biophysical properties (such as structural, functional, and spatial information, amino acid conservation, physicochemical variation, residue mobility, and thermodynamic stability) indicates that this missense variant is expected to disrupt FAS protein function with a positive predictive value of 95%. In summary, the available evidence is currently insufficient to determine the role of this variant in disease. Therefore, it has been classified as a Variant of Uncertain Significance.

Literature cited by the submitters: PubMed 21183795.

NM_000043.6(FAS):c.310T>C (p.Cys104Arg)

Gene: FAS (Fas cell surface death receptor; plus strand). Cytogenetic location: 10q23.31.
Variant type: single nucleotide variant.
Coding change: c.310T>C on transcript NM_000043.6 (MANE Select); coding-DNA position 310, T replaced by C.
Protein change: p.Cys104Arg; replaces cysteine 104 with arginine.
Molecular consequence: missense variant. On other transcripts: non-coding transcript variant (4).
Genome position (GRCh38, 1-based): chr10:89,007,813, T>C. VCF-style: chr10-89007813-T-C. GRCh37 (hg19) VCF-style: chr10-90767570-T-C.
Other names: c.310T>C, p.Cys104Arg (NM_001320619.2, NM_152871.4, NM_152872.4); c.355T>C, p.Cys119Arg (NM_001410956.1); short protein forms C104R, C119R.
Identifiers: ClinVar variation 2708956 (VCV002708956.3), dbSNP rs2495101577, ClinGen allele CA377508356.
Genomic context (GRCh38, chr10:89,007,813, plus strand): 5'-CCCTGCCAAGAAGGGAAGGAGTACACAGACAAAGCCCATTTTTCTTCCAAATGCAGAAGA[T>C]GTAGATTGTGTGATGAAGGACATGGTAAGAGTCTTAAAATGCAATTGAAAGAGGCCAATC-3'
Protein context (NP_000034.1, residues 94-114): KAHFSSKCRR[Cys104Arg]RLCDEGHGLE